The following is an entry in ClinVar:

ClinVar aggregate classification (germline): Conflicting classifications of pathogenicity. Review status: criteria provided, conflicting classifications (1 of 4 stars). 2 submissions from 2 submitters: Uncertain significance (1); Likely benign (1). Last evaluated 2025-10-10.

Conditions:
Deficiency of butyryl-CoA dehydrogenase (ACADSD). Also called: SCAD DEFICIENCY, MILD; SCADH DEFICIENCY; SCAD Deficiency; ACADS DEFICIENCY; Short-Chain Acyl-CoA Dehydrogenase Deficiency; ACYL-CoA DEHYDROGENASE, SHORT-CHAIN, DEFICIENCY OF. Identifiers: Orphanet 26792, MedGen C0342783, MONDO:0008722, OMIM 201470. Disease mechanism: May be benign.

Allele frequency attached by ClinVar (database versions not stated): gnomAD exomes 0.00004; gnomAD 0.00006; TOPMed 0.00008; ExAC 0.00012; 1000 Genomes Project 0.00060; 1000 Genomes Project 30x 0.00062.
gnomAD v4.1: 76 of 1,614,186 alleles (0.0047%); highest among the groups gnomAD compares: East Asian, 0.13%; no homozygotes.

Submissions (2):

Labcorp Genetics (formerly Invitae), Labcorp
Classification: Likely benign for Deficiency of butyryl-CoA dehydrogenase. Last evaluated: 2025-10-10. Review status: criteria provided, single submitter. Criteria: Invitae Variant Classification Sherloc (09022015). Collection method: clinical testing. Allele origin: germline.

3billion
Classification: Uncertain significance for Deficiency of butyryl-CoA dehydrogenase. Last evaluated: 2024-06-19. Review status: criteria provided, single submitter. Criteria: ACMG Guidelines, 2015. Collection method: clinical testing. Allele origin: germline. Affected: yes.
Comment: The variant is observed at an extremely low frequency in the gnomAD v4.0.0 dataset (total allele frequency: 0.005%). Predicted Consequence/Location: Missense variant In silico tool predictions suggest damaging effect of the variant on gene or gene product [3Cnet: 0.65 (>=0.6, sensitivity 0.72 and precision 0.9)]. The variant has been reported as likely benign without evidence for the classification (ClinVar ID: VCV002201925). Therefore, this variant is classified as VUS according to the recommendation of ACMG/AMP guideline.

NM_000017.4(ACADS):c.413C>T (p.Ala138Val)

Gene: ACADS (acyl-CoA dehydrogenase short chain; plus strand). Cytogenetic location: 12q24.31.
Variant type: single nucleotide variant.
Coding change: c.413C>T on transcript NM_000017.4 (MANE Select); coding-DNA position 413, C replaced by T.
Protein change: p.Ala138Val; replaces alanine 138 with valine.
Molecular consequence: missense variant.
Genome position (GRCh38, 1-based): chr12:120,737,408, C>T. VCF-style: chr12-120737408-C-T. GRCh37 (hg19) VCF-style: chr12-121175211-C-T.
Other names: c.413C>T, p.Ala138Val (NM_001302554.2); short protein forms A138V.
Identifiers: ClinVar variation 2201925 (VCV002201925.5), dbSNP rs17848085, ClinGen allele CA6830877.
Genomic context (GRCh38, chr12:120,737,408, plus strand): 5'-CCTCCTAGTCTCTCTACCTGGGGCCCATCTTGAAGTTTGGCTCCAAGGAGCAGAAGCAGG[C>T]GTGGGTCACGCCTTTCACCAGTGGTGACAAAATTGGCTGCTTTGCCCTCAGCGAACCAGG-3'
Protein context (NP_000008.1, residues 128-148): LKFGSKEQKQ[Ala138Val]WVTPFTSGDK